The following is an entry in ClinVar:

NM_001079802.2(FKTN):c.1269T>C (p.Tyr423=)

Gene: FKTN (fukutin; plus strand). Cytogenetic location: 9q31.2.
Variant type: single nucleotide variant.
Coding change: c.1269T>C on transcript NM_001079802.2 (MANE Select); coding-DNA position 1269, T replaced by C.
Protein change: p.Tyr423=; no amino-acid change (tyrosine 423 retained).
Molecular consequence: synonymous variant. On other transcripts: 3 prime UTR variant (1), non-coding transcript variant (2).
Genome position (GRCh38, 1-based): chr9:105,635,147, T>C. VCF-style: chr9-105635147-T-C. GRCh37 (hg19) VCF-style: chr9-108397428-T-C.
Other names: c.1269T>C, p.Tyr423= (NM_001198963.2, NM_001351496.2, NM_006731.2); c.1200T>C, p.Tyr400= (NM_001351497.2); c.*61T>C (NM_001351498.2); c.873T>C, p.Tyr291= (NM_001351499.2, NM_001351500.2, NM_001351501.2 and 1 more transcripts).
Identifiers: ClinVar variation 514360 (VCV000514360.9), dbSNP rs1554766906, ClinGen allele CA466518568.
Genomic context (GRCh38, chr9:105,635,147, plus strand): 5'-GTTTGTAGACATGAAGGTCCATGTACCCTGTGAAACCCTCGAATACATTGAAGCCAACTA[T>C]GGTAAGACCTGGAAGATTCCTGTAAAGACGTGGGACTGGAAGCGCTCTCCTCCCAATGTG-3'
Protein context (NP_001073270.1, residues 413-433): CETLEYIEAN[Tyr423=]GKTWKIPVKT

ClinVar aggregate classification (germline): Likely benign. Review status: criteria provided, multiple submitters, no conflicts (2 of 4 stars). 3 submissions from 3 submitters: Likely benign (3). Last evaluated 2023-12-10.

Conditions:
Cardiovascular phenotype. Identifiers: MedGen CN230736.
Walker-Warburg congenital muscular dystrophy. Also called: Muscular dystrophy-dystroglycanopathy, type A; Walker-Warburg syndrome. Identifiers: Orphanet 899, MedGen C0265221, MONDO:0000171.

Submissions (3):

Ambry Genetics
Classification: Likely benign for Cardiovascular phenotype. Last evaluated: 2023-12-10. Review status: criteria provided, single submitter. Criteria: Ambry Variant Classification Scheme 2023. Collection method: clinical testing. Allele origin: germline.

Labcorp Genetics (formerly Invitae), Labcorp
Classification: Likely benign for Walker-Warburg congenital muscular dystrophy. Last evaluated: 2022-06-27. Review status: criteria provided, single submitter. Criteria: Invitae Variant Classification Sherloc (09022015). Collection method: clinical testing. Allele origin: germline.

GeneDx
Classification: Likely benign. Last evaluated: 2018-01-02. Review status: criteria provided, single submitter. Criteria: GeneDx Variant Classification (06012015). Collection method: clinical testing. Allele origin: germline. Affected: yes.
Comment: This variant is considered likely benign or benign based on one or more of the following criteria: it is a conservative change, it occurs at a poorly conserved position in the protein, it is predicted to be benign by multiple in silico algorithms, and/or has population frequency not consistent with disease.